The following is an entry in ClinVar:

ClinVar aggregate classification (germline): Uncertain significance (1 of 4 stars; one submission).

Conditions:
Cardiovascular phenotype. Identifiers: MedGen CN230736.

gnomAD v4.1: 4 of 1,586,062 alleles (0.00025%); highest among the groups gnomAD compares: Non-Finnish European, 0.00034%; no homozygotes.

Submission:

Ambry Genetics
Classification: Uncertain significance for Cardiovascular phenotype. Last evaluated: 2026-07-21. Review status: criteria provided, single submitter. Criteria: Ambry Variant Classification Scheme 2023. Collection method: clinical testing. Allele origin: germline.
Comment: The p.N2600H variant (also known as c.7798A>C), located in coding exon 51 of the RYR2 gene, results from an A to C substitution at nucleotide position 7798. The asparagine at codon 2600 is replaced by histidine, an amino acid with similar properties. This amino acid position is conserved. In addition, the in silico prediction for this alteration is inconclusive. Based on the available evidence, the clinical significance of this variant remains unclear.

NM_001035.3(RYR2):c.7798A>C (p.Asn2600His)

Gene: RYR2 (ryanodine receptor 2; plus strand). Cytogenetic location: 1q43.
Variant type: single nucleotide variant.
Coding change: c.7798A>C on transcript NM_001035.3 (MANE Select); coding-DNA position 7798, A replaced by C.
Protein change: p.Asn2600His; replaces asparagine 2600 with histidine.
Molecular consequence: missense variant.
Genome position (GRCh38, 1-based): chr1:237,651,475, A>C. VCF-style: chr1-237651475-A-C. GRCh37 (hg19) VCF-style: chr1-237814775-A-C.
Other names: short protein forms N2600H.
Identifiers: ClinVar variation 5028692 (VCV005028692.1).
Genomic context (GRCh38, chr1:237,651,475, plus strand): 5'-CTGAGACCTTCTATGATGCAGCACTTACTCAGAAGATTAGTATTTGATGTTCCATTATTA[A>C]ATGAACACGCAAAGATGCCTCTTAAAGTAAGTATAGGAAATGTTTGTAGATATTTGATTA-3'
Protein context (NP_001026.2, residues 2590-2610): RRLVFDVPLL[Asn2600His]EHAKMPLKLL